The following is an entry in ClinVar:

ClinVar aggregate classification (germline): Uncertain significance (1 of 4 stars; one submission).

Submission:

Mayo Clinic Laboratories, Mayo Clinic
Classification: Uncertain significance. Last evaluated: 2022-10-21. Review status: criteria provided, single submitter. Criteria: ACMG Guidelines, 2015. Collection method: clinical testing. Allele origin: germline. Observed: 1 variant allele.
Comment: PM2

NM_001982.4(ERBB3):c.3557T>C (p.Leu1186Pro)

Gene: ERBB3 (erb-b2 receptor tyrosine kinase 3; plus strand). Cytogenetic location: 12q13.2.
Variant type: single nucleotide variant.
Coding change: c.3557T>C on transcript NM_001982.4 (MANE Select); coding-DNA position 3557, T replaced by C.
Protein change: p.Leu1186Pro; replaces leucine 1186 with proline.
Molecular consequence: missense variant.
Genome position (GRCh38, 1-based): chr12:56,101,583, T>C. VCF-style: chr12-56101583-T-C. GRCh37 (hg19) VCF-style: chr12-56495367-T-C.
Other names: p.Leu1186Pro; short protein forms L1186P.
Identifiers: ClinVar variation 2683206 (VCV002683206.1), dbSNP rs1324041722, ClinGen allele CA385324986.
Genomic context (GRCh38, chr12:56,101,583, plus strand): 5'-CCCCAGGTACTCCCTCCTCCCGGGAAGGCACCCTTTCTTCAGTGGGTCTCAGTTCTGTCC[T>C]GGGTACTGAAGAAGAAGATGAAGATGAGGAGTATGAATACATGAACCGGAGGAGAAGGCA-3'
Protein context (NP_001973.2, residues 1176-1196): TLSSVGLSSV[Leu1186Pro]GTEEEDEDEE